The following is an entry in ClinVar:

NM_145861.4(EDARADD):c.389A>G (p.Asp130Gly)

Gene: EDARADD (EDAR associated via death domain; plus strand). Cytogenetic location: 1q43.
Variant type: single nucleotide variant.
Coding change: c.389A>G on transcript NM_145861.4 (MANE Select); coding-DNA position 389, A replaced by G.
Protein change: p.Asp130Gly; replaces aspartic acid 130 with glycine.
Molecular consequence: missense variant.
Genome position (GRCh38, 1-based): chr1:236,482,390, A>G. VCF-style: chr1-236482390-A-G. GRCh37 (hg19) VCF-style: chr1-236645690-A-G.
Other names: c.323A>G, p.Asp108Gly (NM_001422628.1); c.359A>G, p.Asp120Gly (NM_080738.5); short protein forms D130G, D120G, D108G.
Identifiers: ClinVar variation 452073 (VCV000452073.3), dbSNP rs1553271837, ClinGen allele CA345353786.

ClinVar aggregate classification (germline): Likely pathogenic (1 of 4 stars; one submission).

Submission:

GeneDx
Classification: Likely pathogenic. Last evaluated: 2019-07-03. Review status: criteria provided, single submitter. Criteria: GeneDx Variant Classification Process June 2021. Collection method: clinical testing. Allele origin: germline. Affected: yes.
Comment: Not observed in large population cohorts (Lek et al., 2016); In silico analysis, which includes protein predictors and evolutionary conservation, supports a deleterious effect; The majority of missense variants in this gene are considered pathogenic (Stenson et al., 2014); Has not been previously published as pathogenic or benign to our knowledge